The following is an entry in ClinVar:

ClinVar aggregate classification (germline): Uncertain significance (1 of 4 stars; one submission).

Conditions:
Inborn genetic diseases. Identifiers: MedGen C0950123, MeSH D030342.

gnomAD v4.1: 1 of 1,614,022 alleles (0.000062%); highest among the groups gnomAD compares: Non-Finnish European, 0.000085%; no homozygotes.

Submission:

Ambry Genetics
Classification: Uncertain significance for Inborn genetic diseases. Last evaluated: 2025-03-26. Review status: criteria provided, single submitter. Criteria: Ambry Variant Classification Scheme 2023. Collection method: clinical testing. Allele origin: germline.
Comment: The p.G207E variant (also known as c.620G>A), located in coding exon 7 of the FANCA gene, results from a G to A substitution at nucleotide position 620. The glycine at codon 207 is replaced by glutamic acid, an amino acid with similar properties. This amino acid position is conserved. In addition, this alteration is predicted to be tolerated by in silico analysis. Based on the available evidence, the clinical significance of this variant remains unclear.

NM_000135.4(FANCA):c.620G>A (p.Gly207Glu)

Gene: FANCA (FA complementation group A; minus strand). Cytogenetic location: 16q24.3.
Variant type: single nucleotide variant.
Coding change: c.620G>A on transcript NM_000135.4 (MANE Select); coding-DNA position 620, G replaced by A.
Protein change: p.Gly207Glu; replaces glycine 207 with glutamic acid.
Molecular consequence: missense variant.
Genome position (GRCh38, 1-based): chr16:89,805,369, C>T on the plus strand (G>A on the coding strand, the complement: FANCA is on the minus strand). VCF-style: chr16-89805369-C-T. GRCh37 (hg19) VCF-style: chr16-89871777-C-T.
Other names: c.620G>A, p.Gly207Glu (NM_001018112.3, NM_001286167.3); c.524G>A, p.Gly175Glu (NM_001351830.2); short protein forms G175E, G207E.
Identifiers: ClinVar variation 4022112 (VCV004022112.1).
Genomic context (GRCh38, chr16:89,805,369, plus strand): 5'-TGCTGGCAGGATGCTTCCATCTGTTCACAAAGGCAGCACAGATTCCTGAAGAGCCACGAT[C>T]CCACAGCATGCATGTCGGGATGGCTGGAGACACACACAGAGGCAGACGTAAGGCTCAACT-3'
Protein context (NP_000126.2, residues 197-217): LESHPDMHAV[Gly207Glu]SWLFRNLCCL